The following is an entry in ClinVar:

ClinVar aggregate classification (germline): Pathogenic. Review status: criteria provided, multiple submitters, no conflicts (2 of 4 stars). 3 submissions from 3 submitters: Pathogenic (2). 1 of the submissions does not count toward it. Last evaluated 2023-02-14.

Conditions:
Cardiovascular phenotype. Identifiers: MedGen CN230736.
Telangiectasia, hereditary hemorrhagic, type 1 (HHT1). Also called: Osler Weber Rendu syndrome type 1; ENG-Related Hereditary Hemorrhagic Telangiectasia. Identifiers: Orphanet 774, MedGen C4551861, MONDO:0008535, OMIM 187300. Disease mechanism: loss of function.

Submissions (3):

Neuberg Centre For Genomic Medicine, NCGM
Classification: Pathogenic for Telangiectasia, hereditary hemorrhagic, type 1. Last evaluated: 2023-02-14. Review status: criteria provided, single submitter. Criteria: ACMG Guidelines, 2015. Collection method: clinical testing. Allele origin: germline. Inheritance: Autosomal dominant inheritance. Affected: yes.
Comment: The start-lost variant c.2T>C(p.Met1?) in the ENG gene has been reported previously in a heterozygous state in individuals affected with hereditary hemorrhagic telangiectasia (HHT). A T-to-C transition converts ATG (Met) to ACG (Thr) thereby causing a start loss (Gallione et al., 1998; Abdalla et al., 2006). This variant is reported with the allele frequency (0.002%) in the gnomAD and novel in 1000 genome database. It is submitted to ClinVar as Pathogenic. The p.Met1? variant is predicted to disrupt the initiation codon, and thus potentially may interfere with protein expression. The variant is predicted as damaging by SIFT. The amino acid change p.Met1? in ENG is predicted as conserved by GERP++ and PhyloP across 100 vertebrates. For these reasons, this variant has been classified as Pathogenic.

Ambry Genetics
Classification: Pathogenic for Cardiovascular phenotype. Last evaluated: 2016-07-25. Review status: criteria provided, single submitter. Criteria: Ambry Variant Classification Scheme 2023. Collection method: clinical testing. Allele origin: germline.
Comment: The p.M1? pathogenic variant (also known as c.2T>C and p.M1T), located in coding exon 1 of the ENG gene, results from a T to C substitution at nucleotide position 2. This alters the methionine residue at the initiation codon. This alteration was identified in 2 unrelated individuals with hereditary hemorrhagic telangiectasia (HHT) (Gallione et al. J Hum Mutat. 1998;11(4):286-94). In addition to the clinical data presented in the literature, since sequence variations that modify the initiation codon (ATG) are expected to result in either loss of translation initiation, N-terminal truncation, or cause a shift in the mRNA reading frame, this alteration is interpreted as a disease-causing mutation.

OMIM
Classification: Pathogenic for HEREDITARY HEMORRHAGIC TELANGIECTASIA 1. Last evaluated: 1998-01-01. Review status: no assertion criteria provided. Collection method: literature only. Allele origin: germline. Not counted in ClinVar's aggregate classification.

Literature cited by the submitters: PubMed 9554745 (cited by OMIM); PubMed 2601709 (cited by OMIM).

NM_001114753.3(ENG):c.2T>C (p.Met1Thr)

Gene: ENG (endoglin; minus strand). Cytogenetic location: 9q34.11.
Variant type: single nucleotide variant.
Coding change: c.2T>C on transcript NM_001114753.3 (MANE Select); coding-DNA position 2, T replaced by C.
Protein change: p.Met1Thr; changes the start codon (methionine 1).
Molecular consequence: missense variant, initiator codon variant.
Genome position (GRCh38, 1-based): chr9:127,854,354, A>G on the plus strand (T>C on the coding strand, the complement: ENG is on the minus strand). VCF-style: chr9-127854354-A-G. GRCh37 (hg19) VCF-style: chr9-130616633-A-G.
Other names: c.2T>C, p.Met1Thr (NM_000118.4, NM_001406715.1); short protein forms M1T.
Identifiers: ClinVar variation 16673 (VCV000016673.7), dbSNP rs267606783, ClinGen allele CA257569.
Genomic context (GRCh38, chr9:127,854,354, plus strand): 5'-GGGCTGAGGCTGCAGCTGGCCAGCAGCAGGGCAACAGCCAGAGGGAGCGTGCCGCGGTCC[A>G]TGCTGTCCACGTGGGGGCCTGTGCGCTGGGCCTTATCCTGTGTCCAGTGGCAGGGCTGCG-3'
Protein context (NP_001108225.1, residues 1-11): [Met1Thr]DRGTLPLAVA